The following is an entry in ClinVar:

ClinVar aggregate classification (germline): Uncertain significance (1 of 4 stars; one submission).

Submission:

Labcorp Genetics (formerly Invitae), Labcorp
Classification: Uncertain significance. Last evaluated: 2022-12-31. Review status: criteria provided, single submitter. Criteria: Invitae Variant Classification Sherloc (09022015). Collection method: clinical testing. Allele origin: unknown.
Comment: In summary, the available evidence is currently insufficient to determine the role of this variant in disease. Therefore, it has been classified as a Variant of Uncertain Significance. Experimental studies and prediction algorithms are not available or were not evaluated, and the functional significance of this variant is currently unknown. This variant has not been reported in the literature in individuals affected with GNA11-related conditions. This variant results in a copy number gain of the genomic region encompassing exon(s) 1-2 of the GNA11 gene. This region includes the initiator codon of the gene. This copy number gain extends beyond the assayed region for this gene and therefore may encompass additional genes. As the precise location of this event is unknown, it may be in tandem or it may be located elsewhere in the genome.

NC_000019.9:g.(?_3094650)_(3110341_?)dup

Gene: GNA11 (G protein subunit alpha 11; plus strand). Cytogenetic location: 19p13.3.
Variant type: Duplication.
Identifiers: ClinVar variation 3242671 (VCV003242671.1).